The following is an entry in ClinVar:

NM_001042492.3(NF1):c.4835+1G>A

Gene: NF1 (neurofibromin 1; plus strand). Cytogenetic location: 17q11.2.
Variant type: single nucleotide variant.
Coding change: c.4835+1G>A on transcript NM_001042492.3 (MANE Select); the canonical splice donor site of the intron after coding-DNA position 4835, G replaced by A.
Molecular consequence: splice donor variant.
Genome position (GRCh38, 1-based): chr17:31,265,340, G>A. VCF-style: chr17-31265340-G-A. GRCh37 (hg19) VCF-style: chr17-29592358-G-A.
Other names: c.4772+1G>A (NM_000267.4, NM_000267.3).
Identifiers: ClinVar variation 547652 (VCV000547652.8), dbSNP rs1085307819, ClinGen allele CA399001392.
Genomic context (GRCh38, chr17:31,265,340, plus strand): 5'-TTTCTACCAAGCTGGGACTTCCAAAGCTGGGAATCCTATTTTTTATTATGTTGCACGGAG[G>A]TAAGAAATACTATGTTTTGGGTCTCTTAACAGAATTTTTTAAATTATAGCAAATATAGAG-3'

ClinVar aggregate classification (germline): Pathogenic/Likely pathogenic. Review status: criteria provided, multiple submitters, no conflicts (2 of 4 stars). 4 submissions from 4 submitters: Pathogenic (3); Likely pathogenic (1). Last evaluated 2025-07-24.

Conditions:
Neurofibromatosis, type 1 (NF1). Also called: NEUROFIBROMATOSIS, TYPE I, SOMATIC; VON RECKLINGHAUSEN DISEASE; Peripheral type neurofibromatosis; Neurofibromatosis, type I. Identifiers: Orphanet 636, MedGen C0027831, MONDO:0018975, OMIM 162200. Disease mechanism: loss of function.

Allele frequency attached by ClinVar (database versions not stated): gnomAD exomes below 0.00001.
gnomAD v4.1: 1 of 1,601,188 alleles (0.000062%); highest among the groups gnomAD compares: Admixed American, 0.0017%; no homozygotes.

Submissions (4):

Labcorp Genetics (formerly Invitae), Labcorp
Classification: Pathogenic for Neurofibromatosis, type 1. Last evaluated: 2025-07-24. Review status: criteria provided, single submitter. Criteria: Invitae Variant Classification Sherloc (09022015). Collection method: clinical testing. Allele origin: germline.
Comment: This sequence change affects a donor splice site in intron 35 of the NF1 gene. It is expected to disrupt RNA splicing. Variants that disrupt the donor or acceptor splice site typically lead to a loss of protein function (PMID: 16199547), and loss-of-function variants in NF1 are known to be pathogenic (PMID: 10712197, 23913538). This variant is not present in population databases (gnomAD no frequency). Disruption of this splice site has been observed in individuals with neurofibromatosis type I (PMID: 23913538). Invitae Evidence Modeling of clinical and family history, age, sex, and reported ancestry of multiple individuals with this NF1 variant has been performed. This variant is expected to be pathogenic with a positive predictive value of at least 99%. This is a validated machine learning model that incorporates the clinical features of 1,785,918 individuals referred to our laboratory for NF1 testing. ClinVar contains an entry for this variant (Variation ID: 547652). Algorithms developed to predict the effect of sequence changes on RNA splicing suggest that this variant may disrupt the consensus splice site. For these reasons, this variant has been classified as Pathogenic.

Greenwood Genetic Center Diagnostic Laboratories, Greenwood Genetic Center
Classification: Likely pathogenic for Neurofibromatosis, type 1. Last evaluated: 2025-05-06. Review status: criteria provided, single submitter. Criteria: ACMG Guidelines, 2015. Collection method: clinical testing. Allele origin: germline. Affected: yes.
Comment: PVS1_Moderate, PS4_Moderate, PM2, PM6

Genome-Nilou Lab
Classification: Pathogenic for Neurofibromatosis, type 1. Last evaluated: 2022-03-15. Review status: criteria provided, single submitter. Criteria: ACMG Guidelines, 2015. Collection method: clinical testing. Allele origin: germline. Affected: no.

Center for Human Genetics, Inc
Classification: Pathogenic for Neurofibromatosis, type 1. Last evaluated: 2016-11-01. Review status: criteria provided, single submitter. Criteria: ACMG Guidelines, 2015. Collection method: clinical testing. Allele origin: germline. Affected: yes.

Literature cited by the submitters: PubMed 16199547 (cited by Labcorp Genetics (formerly Invitae), Labcorp); PubMed 10712197 (cited by Labcorp Genetics (formerly Invitae), Labcorp); PubMed 23913538 (cited by Labcorp Genetics (formerly Invitae), Labcorp).